The following is an entry in ClinVar:

ClinVar aggregate classification (germline): Uncertain significance. Review status: criteria provided, multiple submitters, no conflicts (2 of 4 stars). 2 submissions from 2 submitters: Uncertain significance (2). Last evaluated 2026-09-11.

Conditions:
Retinoblastoma (RB1). Also called: RETINOBLASTOMA, SOMATIC. Identifiers: Orphanet 790, MedGen C0035335, MeSH D012175, MONDO:0008380, OMIM 180200, HP:0009919. Disease mechanism: loss of function. Inheritance: Both sporadic and heritable forms are tested..
Hereditary cancer-predisposing syndrome. Also called: Tumor predisposition; Hereditary Cancer Syndrome; Hereditary neoplastic syndrome; Neoplastic Syndromes, Hereditary. Identifiers: Orphanet 140162, MedGen C0027672, MeSH D009386, MONDO:0015356.

Submissions (2):

Ambry Genetics
Classification: Uncertain significance for Hereditary cancer-predisposing syndrome. Last evaluated: 2026-09-11. Review status: criteria provided, single submitter. Criteria: Ambry Variant Classification Scheme 2023. Collection method: clinical testing. Allele origin: germline.
Comment: The p.C666G variant (also known as c.1996T>G), located in coding exon 20 of the RB1 gene, results from a T to G substitution at nucleotide position 1996. The cysteine at codon 666 is replaced by glycine, an amino acid with highly dissimilar properties. This amino acid position is well conserved in available vertebrate species. In addition, this alteration is predicted to be deleterious by in silico analysis. Based on the available evidence, the clinical significance of this variant remains unclear.

Labcorp Genetics (formerly Invitae), Labcorp
Classification: Uncertain significance for Retinoblastoma. Last evaluated: 2024-04-22. Review status: criteria provided, single submitter. Criteria: Invitae Variant Classification Sherloc (09022015). Collection method: clinical testing. Allele origin: germline.
Comment: This sequence change replaces cysteine, which is neutral and slightly polar, with glycine, which is neutral and non-polar, at codon 666 of the RB1 protein (p.Cys666Gly). This variant is not present in population databases (gnomAD no frequency). This variant has not been reported in the literature in individuals affected with RB1-related conditions. Advanced modeling of protein sequence and biophysical properties (such as structural, functional, and spatial information, amino acid conservation, physicochemical variation, residue mobility, and thermodynamic stability) performed at Invitae indicates that this missense variant is not expected to disrupt RB1 protein function with a negative predictive value of 80%. In summary, the available evidence is currently insufficient to determine the role of this variant in disease. Therefore, it has been classified as a Variant of Uncertain Significance.

NM_000321.3(RB1):c.1996T>G (p.Cys666Gly)

Gene: RB1 (RB transcriptional corepressor 1; plus strand). Cytogenetic location: 13q14.2.
Variant type: single nucleotide variant.
Coding change: c.1996T>G on transcript NM_000321.3 (MANE Select); coding-DNA position 1996, T replaced by G.
Protein change: p.Cys666Gly; replaces cysteine 666 with glycine.
Molecular consequence: missense variant.
Genome position (GRCh38, 1-based): chr13:48,459,723, T>G. VCF-style: chr13-48459723-T-G. GRCh37 (hg19) VCF-style: chr13-49033859-T-G.
Other names: c.1996T>G, p.Cys666Gly (NM_001407165.1); short protein forms C666G.
Identifiers: ClinVar variation 3430883 (VCV003430883.4).
Genomic context (GRCh38, chr13:48,459,723, plus strand): 5'-TGACTAATTTTTCTTATTCCCACAGTGTATCGGCTAGCCTATCTCCGGCTAAATACACTT[T>G]GTGAACGCCTTCTGTCTGAGCACCCAGAATTAGAACATATCATCTGGACCCTTTTCCAGC-3'
Protein context (NP_000312.2, residues 656-676): RLAYLRLNTL[Cys666Gly]ERLLSEHPEL